The following is an entry in ClinVar:

ClinVar aggregate classification (germline): Pathogenic (1 of 4 stars; one submission).

Conditions:
Charcot-Marie-Tooth disease type 4. Also called: Charcot-Marie-Tooth disease, type IV; Charcot-Marie-Tooth, Type 4. Identifiers: Orphanet 64749, MedGen C4082197, MONDO:0018995.

Submission:

Labcorp Genetics (formerly Invitae), Labcorp
Classification: Pathogenic for Charcot-Marie-Tooth disease type 4. Last evaluated: 2021-10-31. Review status: criteria provided, single submitter. Criteria: Invitae Variant Classification Sherloc (09022015). Collection method: clinical testing. Allele origin: germline.
Comment: For these reasons, this variant has been classified as Pathogenic. This variant has not been reported in the literature in individuals affected with FIG4-related conditions. This variant is not present in population databases (gnomAD no frequency). This sequence change creates a premature translational stop signal (p.Val471Aspfs*45) in the FIG4 gene. It is expected to result in an absent or disrupted protein product. Loss-of-function variants in FIG4 are known to be pathogenic (PMID: 23623387).

Literature cited by the submitters: PubMed 23623387.

NM_014845.6(FIG4):c.1412_1413del (p.Val471fs)

Gene: FIG4 (FIG4 phosphoinositide 5-phosphatase; plus strand). Cytogenetic location: 6q21.
Variant type: Microsatellite.
Coding change: c.1412_1413del on transcript NM_014845.6 (MANE Select); coding-DNA positions 1412 to 1413, 2 bases deleted (TG; older notation c.1412_1413delTG).
Protein change: p.Val471fs; shifts the reading frame from valine 471.
Molecular consequence: frameshift variant.
Genome position (GRCh38, 1-based): chr6:109,763,960-109,763,961, TG deleted; deleting any 2 consecutive bases within chr6:109,763,956-109,763,961 gives the same sequence; the c. name uses the placement nearest the transcript's 3' end. VCF-style (leftmost placement, unchanged base first): chr6-109763955-ATG-A. GRCh37 (hg19) VCF-style: chr6-110085158-ATG-A.
Other names: short protein forms V471fs.
Identifiers: ClinVar variation 1457285 (VCV001457285.6), dbSNP rs2128391901, ClinGen allele CA2580617321.